The following is an entry in ClinVar:

NM_001042492.3(NF1):c.4449A>G (p.Ala1483=)

Gene: NF1 (neurofibromin 1; plus strand). Cytogenetic location: 17q11.2.
Variant type: single nucleotide variant.
Coding change: c.4449A>G on transcript NM_001042492.3 (MANE Select); coding-DNA position 4449, A replaced by G.
Protein change: p.Ala1483=; no amino-acid change (alanine 1483 retained).
Molecular consequence: synonymous variant.
Genome position (GRCh38, 1-based): chr17:31,260,387, A>G. VCF-style: chr17-31260387-A-G. GRCh37 (hg19) VCF-style: chr17-29587405-A-G.
Other names: c.4386A>G, p.Ala1462= (NM_000267.4).
Identifiers: ClinVar variation 824848 (VCV000824848.28), dbSNP rs1237298231, ClinGen allele CA499233639.

ClinVar aggregate classification (germline): Likely benign. Review status: criteria provided, multiple submitters, no conflicts (2 of 4 stars). 3 submissions from 3 submitters: Likely benign (3). Last evaluated 2023-12-01.

Conditions:
Hereditary cancer-predisposing syndrome. Also called: Tumor predisposition; Hereditary neoplastic syndrome; Neoplastic Syndromes, Hereditary; Hereditary Cancer Syndrome. Identifiers: Orphanet 140162, MedGen C0027672, MeSH D009386, MONDO:0015356.
Cardiovascular phenotype. Identifiers: MedGen CN230736.
Neurofibromatosis, type 1 (NF1). Also called: NEUROFIBROMATOSIS, TYPE I, SOMATIC; Peripheral type neurofibromatosis; Neurofibromatosis, type I; VON RECKLINGHAUSEN DISEASE. Identifiers: Orphanet 636, MedGen C0027831, MONDO:0018975, OMIM 162200. Disease mechanism: loss of function.

Allele frequency attached by ClinVar (database versions not stated): gnomAD exomes below 0.00001.

Submissions (3):

CeGaT Center for Human Genetics Tuebingen
Classification: Likely benign. Last evaluated: 2023-12-01. Review status: criteria provided, single submitter. Criteria: CeGaT Center For Human Genetics Tuebingen Variant Classification Criteria Version 2. Collection method: clinical testing. Allele origin: germline. Affected: yes. Observed: 1 variant allele.
Comment: NF1: PM2:Supporting, BP4, BP7

Labcorp Genetics (formerly Invitae), Labcorp
Classification: Likely benign for Neurofibromatosis, type 1. Last evaluated: 2023-03-17. Review status: criteria provided, single submitter. Criteria: Invitae Variant Classification Sherloc (09022015). Collection method: clinical testing. Allele origin: germline.

Ambry Genetics
Classification: Likely benign for Cardiovascular phenotype; Hereditary cancer-predisposing syndrome. Last evaluated: 2018-09-17. Review status: criteria provided, single submitter. Criteria: Ambry Variant Classification Scheme 2023. Collection method: clinical testing. Allele origin: germline.